The following is an entry in ClinVar:

NC_000011.10:g.77190085_77190095del

Gene: MYO7A (myosin VIIA; plus strand). Cytogenetic location: 11q13.5.
Variant type: Deletion.
Genome position: GRCh38 VCF-style: chr11-77190083-AGAAGGACCTTT-A. GRCh37 (hg19) VCF-style: chr11-76901128-AGAAGGACCTTT-A.
Other names: c.3696_3706del, p.Arg1232fs (NM_000260.4, NM_001127180.2); c.3663_3673del, p.Arg1221fs (NM_001369365.1); short protein forms R1221fs, R1232fs.
Identifiers: ClinVar variation 43217 (VCV000043217.16), dbSNP rs397516303, ClinGen allele CA278656.

ClinVar aggregate classification (germline): Pathogenic. Review status: criteria provided, multiple submitters, no conflicts (2 of 4 stars). 5 submissions from 5 submitters: Pathogenic (5). Last evaluated 2025-08-15.

Conditions:
MYO7A-related disorder. Also called: MYO7A-related disorders.
Rare genetic deafness. Identifiers: Orphanet 96210, MedGen C5680250.
Autosomal recessive nonsyndromic hearing loss 2. Also called: DEAFNESS, AUTOSOMAL RECESSIVE 2; NEUROSENSORY NONSYNDROMIC RECESSIVE DEAFNESS 2. Identifiers: Orphanet 90636, MedGen C1838701, MONDO:0010807, OMIM 600060.
Autosomal dominant nonsyndromic hearing loss 11. Identifiers: Orphanet 90635, MedGen C1832475, MONDO:0011032, OMIM 601317.
Usher syndrome type 1 (USH1). Also called: RETINITIS PIGMENTOSA AND CONGENITAL DEAFNESS. Identifiers: Orphanet 231169, Orphanet 886, MedGen C1568247, MONDO:0010168, OMIM 276900.
Usher syndrome type 1B (USH1B). Also called: Usher syndrome type IB. Identifiers: MedGen C1848638, MONDO:0700087.

Submissions (5):

Natera, Inc.
Classification: Pathogenic for Usher syndrome type 1B. Last evaluated: 2025-08-15. Review status: criteria provided, single submitter. Criteria: Natera Variant Classification Schema (03/2026). Collection method: clinical testing. Allele origin: germline.
Comment: The c.3696_3706del variant in MYO7A is a frameshift variant predicted to shift the reading frame beginning at codon 1232 and leads to a stop codon 72 codons downstream. This variant is expected to result in nonsense mediated decay, truncation, or a dysfunctional protein product. This variant is rare in the general population with a frequency below the threshold expected for the associated phenotype(s). This variant has been observed in one or more individuals affected with the associated recessive disease, as either homozygous or compound heterozygous with a second variant (PMID: 28731162). Given the available evidence, this variant is classified as Pathogenic.

Labcorp Genetics (formerly Invitae), Labcorp
Classification: Pathogenic. Last evaluated: 2023-10-13. Review status: criteria provided, single submitter. Criteria: Invitae Variant Classification Sherloc (09022015). Collection method: clinical testing. Allele origin: germline.
Comment: This sequence change creates a premature translational stop signal (p.Arg1232Serfs*72) in the MYO7A gene. It is expected to result in an absent or disrupted protein product. Loss-of-function variants in MYO7A are known to be pathogenic (PMID: 8900236, 25404053). The frequency data for this variant in the population databases is considered unreliable, as metrics indicate poor data quality at this position in the gnomAD database. This premature translational stop signal has been observed in individual(s) with autosomal recessive MYO7A-related conditions (PMID: 28731162, 30029497). ClinVar contains an entry for this variant (Variation ID: 43217). For these reasons, this variant has been classified as Pathogenic.

Blueprint Genetics
Classification: Pathogenic for MYO7A-related disorders. Last evaluated: 2021-04-27. Review status: criteria provided, single submitter. Criteria: ACMG Guidelines, 2015. Collection method: clinical testing. Allele origin: germline. Affected: yes. Observed: 1 variant allele.

Laboratory for Molecular Medicine, Mass General Brigham Personalized Medicine
Classification: Pathogenic for Rare genetic deafness. Last evaluated: 2010-04-23. Review status: criteria provided, single submitter. Criteria: LMM Criteria. Collection method: clinical testing. Allele origin: germline. Observed: 1 variant allele.
Comment: The 3696_3706del (Arg1232fs) variant in MYO7A has not been reported in the liter ature nor previously identified by our laboratory. However, the Arg1232fs varian t is predicted to cause a frameshift, which alters the protein's amino acid sequ ence beginning at codon 1232 and leads to a premature stop codon 72 codons downs tream. This alteration is then predicted to lead to a truncated or absent protei n. In summary, this variant is highly likely to be pathogenic.

Juno Genomics, Hangzhou Juno Genomics, Inc
Classification: Pathogenic for Autosomal dominant nonsyndromic hearing loss 11; Autosomal recessive nonsyndromic hearing loss 2; Usher syndrome type 1. Review status: criteria provided, single submitter. Criteria: ACMG Guidelines, 2015. Collection method: clinical testing. Allele origin: germline. Affected: yes.
Comment: Null variant in a gene where loss of function (LOF) is a known mechanism of disease.;Absent from controls (or at extremely low frequency if recessive) in Genome Aggregation Database, Exome Sequencing Project, 1000 Genomes Project, or Exome Aggregation Consortium.;For recessive disorders, detected in trans with a pathogenic variant.;Co-segregation with disease in multiple affected family members in a gene definitively known to cause the disease.

Literature cited by the submitters: PubMed 28731162 (cited by Natera, Inc. and Labcorp Genetics (formerly Invitae), Labcorp); PubMed 8900236 (cited by Labcorp Genetics (formerly Invitae), Labcorp); PubMed 25404053 (cited by Labcorp Genetics (formerly Invitae), Labcorp); PubMed 30029497 (cited by Labcorp Genetics (formerly Invitae), Labcorp).